The following is an entry in ClinVar:

ClinVar aggregate classification (germline): Conflicting classifications of pathogenicity. Review status: criteria provided, conflicting classifications (1 of 4 stars). 4 submissions from 4 submitters: Likely pathogenic (2); Uncertain significance (1). 1 of the submissions does not count toward it. Last evaluated 2025-07-22.

Conditions:
Argininosuccinate lyase deficiency. Also called: ARGININOSUCCINIC ACID LYASE DEFICIENCY; ASL DEFICIENCY; Argininosuccinic aciduria. Identifiers: Orphanet 23, MedGen C0268547, MONDO:0008815, OMIM 207900, HP:0025630.

Allele frequency attached by ClinVar (database versions not stated): TOPMed 0.00001.
gnomAD v4.1: 3 of 1,590,800 alleles (0.00019%); highest among the groups gnomAD compares: East Asian, 0.0046%; no homozygotes.

Submissions (4):

Women's Health and Genetics/Laboratory Corporation of America, LabCorp
Classification: Uncertain significance. Last evaluated: 2025-07-22. Review status: criteria provided, single submitter. Criteria: LabCorp Variant Classification Summary - May 2015. Collection method: clinical testing. Allele origin: germline.
Comment: Variant summary: ASL c.571C>G (p.Arg191Gly) results in a non-conservative amino acid change in the encoded protein sequence. Algorithms developed to predict the effect of missense changes on protein structure and function all suggest that this variant is likely to be disruptive. The variant allele was found at a frequency of 4.8e-06 in 207286 control chromosomes. c.571C>G has been observed in individual(s) affected with ASL-related conditions (internal data). These data do not allow any conclusion about variant significance. A different variant affecting the same codon has been classified as pathogenic by our lab (c.571C>T, p.Arg191Trp), supporting the critical relevance of codon 191 to ASL protein function. To our knowledge, no experimental evidence demonstrating an impact on protein function has been reported. ClinVar contains an entry for this variant (Variation ID: 692055). Based on the evidence outlined above, the variant was classified as VUS-possibly pathogenic.

Labcorp Genetics (formerly Invitae), Labcorp
Classification: Likely pathogenic for Argininosuccinate lyase deficiency. Last evaluated: 2024-01-08. Review status: criteria provided, single submitter. Criteria: Invitae Variant Classification Sherloc (09022015). Collection method: clinical testing. Allele origin: germline.
Comment: This sequence change replaces arginine, which is basic and polar, with glycine, which is neutral and non-polar, at codon 191 of the ASL protein (p.Arg191Gly). This variant is present in population databases (no rsID available, gnomAD 0.007%). This missense change has been observed in individual(s) with clinical features of ASL-related conditions (Invitae). ClinVar contains an entry for this variant (Variation ID: 692055). Advanced modeling of protein sequence and biophysical properties (such as structural, functional, and spatial information, amino acid conservation, physicochemical variation, residue mobility, and thermodynamic stability) has been performed at Invitae for this missense variant, however the output from this modeling did not meet the statistical confidence thresholds required to predict the impact of this variant on ASL protein function. This variant disrupts the p.Arg191 amino acid residue in ASL. Other variant(s) that disrupt this residue have been determined to be pathogenic (PMID: 21744316, 24166829, 31943503). This suggests that this residue is clinically significant, and that variants that disrupt this residue are likely to be disease-causing. In summary, the currently available evidence indicates that the variant is pathogenic, but additional data are needed to prove that conclusively. Therefore, this variant has been classified as Likely Pathogenic.

Rady Children's Institute for Genomic Medicine, Rady Children's Hospital San Diego
Classification: Likely pathogenic for ARGININOSUCCINIC ACIDURIA. Last evaluated: 2018-10-12. Review status: criteria provided, single submitter. Criteria: ACMG Guidelines, 2015. Collection method: clinical testing. Allele origin: germline. Affected: yes. Observed: 1 variant allele.
Comment: This variant has not been previously reported or functionally characterized in the literature to our knowledge. However, a variant involving the same amino acid but resulting in a different missense change (p.Arg191Trp) has been previously reported in an asymptomatic patient with argininosuccinate lyase deficiency detected by newborn screening (PMID: 24166829). The c.571C>G (p.Arg191Gly) variant detected in this individual is present in the heterozygous state in the gnomAD population database at a frequency of 0.0005% (1/201720) and thus is presumed to be rare. Based on the available evidence, the c.571C>G p.Arg191Gly variant is classified as likely pathogenic.

Natera, Inc.
Classification: Uncertain significance for Argininosuccinate lyase deficiency. Last evaluated: 2021-05-17. Review status: no assertion criteria provided. Collection method: clinical testing. Allele origin: germline. Not counted in ClinVar's aggregate classification.

Literature cited by the submitters: PubMed 21744316 (cited by Labcorp Genetics (formerly Invitae), Labcorp); PubMed 24166829 (cited by Labcorp Genetics (formerly Invitae), Labcorp); PubMed 31943503 (cited by Labcorp Genetics (formerly Invitae), Labcorp).

NM_000048.4(ASL):c.571C>G (p.Arg191Gly)

Gene: ASL (argininosuccinate lyase; plus strand). Cytogenetic location: 7q11.21.
Variant type: single nucleotide variant.
Coding change: c.571C>G on transcript NM_000048.4 (MANE Select); coding-DNA position 571, C replaced by G.
Protein change: p.Arg191Gly; replaces arginine 191 with glycine.
Molecular consequence: missense variant. On other transcripts: intron variant (1).
Genome position (GRCh38, 1-based): chr7:66,086,790, C>G. VCF-style: chr7-66086790-C-G. GRCh37 (hg19) VCF-style: chr7-65551777-C-G.
Other names: c.571C>G, p.Arg191Gly (NM_001024943.2, NM_001024944.2); c.524+128C>G (NM_001024946.2); short protein forms R191G.
Identifiers: ClinVar variation 692055 (VCV000692055.15), dbSNP rs143508372, ClinGen allele CA367642653.